The following is an entry in ClinVar:

NM_001098.3(ACO2):c.236G>C (p.Ser79Thr)

Gene: ACO2 (aconitase 2; plus strand). Cytogenetic location: 22q13.2.
Variant type: single nucleotide variant.
Coding change: c.236G>C on transcript NM_001098.3 (MANE Select); coding-DNA position 236, G replaced by C.
Protein change: p.Ser79Thr; replaces serine 79 with threonine.
Molecular consequence: missense variant.
Genome position (GRCh38, 1-based): chr22:41,507,853, G>C. VCF-style: chr22-41507853-G-C. GRCh37 (hg19) VCF-style: chr22-41903857-G-C.
Other names: short protein forms S79T.
Identifiers: ClinVar variation 1345652 (VCV001345652.8), dbSNP rs758823518, ClinGen allele CA10257318.

ClinVar aggregate classification (germline): Uncertain significance (1 of 4 stars; one submission).

Allele frequency attached by ClinVar (database versions not stated): ExAC 0.00002; gnomAD 0.00002; gnomAD exomes 0.00002; TOPMed 0.00004.
gnomAD v4.1: 18 of 1,614,106 alleles (0.0011%); highest among the groups gnomAD compares: East Asian, 0.04%; no homozygotes.

Submission:

Labcorp Genetics (formerly Invitae), Labcorp
Classification: Uncertain significance. Last evaluated: 2025-11-17. Review status: criteria provided, single submitter. Criteria: Invitae Variant Classification Sherloc (09022015). Collection method: clinical testing. Allele origin: germline.
Comment: This sequence change replaces serine, which is neutral and polar, with threonine, which is neutral and polar, at codon 79 of the ACO2 protein (p.Ser79Thr). This variant is present in population databases (rs758823518, gnomAD 0.04%). This variant has not been reported in the literature in individuals affected with ACO2-related conditions. ClinVar contains an entry for this variant (Variation ID: 1345652). Invitae Evidence Modeling of protein sequence and biophysical properties (such as structural, functional, and spatial information, amino acid conservation, physicochemical variation, residue mobility, and thermodynamic stability) indicates that this missense variant is not expected to disrupt ACO2 protein function with a negative predictive value of 95%. In summary, the available evidence is currently insufficient to determine the role of this variant in disease. Therefore, it has been classified as a Variant of Uncertain Significance.